The following is an entry in ClinVar:

ClinVar aggregate classification (germline): Uncertain significance (1 of 4 stars; one submission).

Conditions:
Rhabdoid tumor predisposition syndrome 2 (RTPS2). Identifiers: Orphanet 231108, Orphanet 69077, MedGen C2750074, MONDO:0013224, OMIM 613325.

Submission:

Labcorp Genetics (formerly Invitae), Labcorp
Classification: Uncertain significance for Rhabdoid tumor predisposition syndrome 2. Last evaluated: 2025-10-07. Review status: criteria provided, single submitter. Criteria: Invitae Variant Classification Sherloc (09022015). Collection method: clinical testing. Allele origin: germline.
Comment: This sequence change replaces alanine, which is neutral and non-polar, with glycine, which is neutral and non-polar, at codon 1078 of the SMARCA4 protein (p.Ala1078Gly). This variant is not present in population databases (gnomAD no frequency). This variant has not been reported in the literature in individuals affected with SMARCA4-related conditions. ClinVar contains an entry for this variant (Variation ID: 1896058). Invitae Evidence Modeling of protein sequence and biophysical properties (such as structural, functional, and spatial information, amino acid conservation, physicochemical variation, residue mobility, and thermodynamic stability) indicates that this missense variant is expected to disrupt SMARCA4 protein function with a positive predictive value of 80%. In summary, the available evidence is currently insufficient to determine the role of this variant in disease. Therefore, it has been classified as a Variant of Uncertain Significance.

NM_003072.5(SMARCA4):c.3233C>G (p.Ala1078Gly)

Gene: SMARCA4 (SWI/SNF related BAF chromatin remodeling complex subunit ATPase 4; plus strand). Cytogenetic location: 19p13.2.
Variant type: single nucleotide variant.
Coding change: c.3233C>G on transcript NM_003072.5 (MANE Select); coding-DNA position 3233, C replaced by G.
Protein change: p.Ala1078Gly; replaces alanine 1078 with glycine.
Molecular consequence: missense variant. On other transcripts: non-coding transcript variant (1).
Genome position (GRCh38, 1-based): chr19:11,027,801, C>G. VCF-style: chr19-11027801-C-G. GRCh37 (hg19) VCF-style: chr19-11138477-C-G.
Other names: c.3233C>G, p.Ala1078Gly (NM_001128844.3, NM_001128845.2, NM_001128846.2 and 6 more transcripts); short protein forms A1078G.
Identifiers: ClinVar variation 1896058 (VCV001896058.5), dbSNP rs2146541729, ClinGen allele CA404061254.